The following is an entry in ClinVar:

NM_001379200.1(TBX1):c.201del (p.Gly68fs)

Gene: TBX1 (T-box transcription factor 1; plus strand). Cytogenetic location: 22q11.21.
Variant type: Deletion.
Coding change: c.201del on transcript NM_001379200.1 (MANE Select); coding-DNA position 201, one base deleted (C; older notation c.201delC).
Protein change: p.Gly68fs; shifts the reading frame from glycine 68.
Molecular consequence: frameshift variant.
Genome position (GRCh38, 1-based): chr22:19,761,044, C deleted; the last of 5 consecutive C bases (chr22:19,761,040-19,761,044); deleting any one gives the same sequence. VCF-style (leftmost placement, unchanged base first): chr22-19761039-GC-G. GRCh37 (hg19) VCF-style: chr22-19748562-GC-G.
Other names: c.174del, p.Gly59fs (NM_005992.1, NM_080646.2, NM_080647.1); short protein forms G59fs, G68fs.
Identifiers: ClinVar variation 4883952 (VCV004883952.2).
Genomic context (GRCh38, chr22:19,761,039, plus strand): 5'-CCGTACGGCCCGCGCGAGCCCCCGCCGCCGCCGCCGCGCTACGACCCGTGCGCCGCCGCC[GC>G]CCCCGGCGCCCCGGGCCCGCCGCCGCCGCCGCACGCCTACCCGTTTGCGCCGGCCGCCGG-3'

ClinVar aggregate classification (germline): Uncertain significance (1 of 4 stars; one submission).

Conditions:
DiGeorge syndrome. Also called: THIRD AND FOURTH PHARYNGEAL POUCH SYNDROME; Catch22. Identifiers: Orphanet 567, MedGen C0012236, MONDO:0008564, OMIM 188400.

Submission:

Dasa
Classification: Uncertain significance for DiGeorge syndrome. Last evaluated: 2026-02-04. Review status: criteria provided, single submitter. Criteria: DASA Assertion Criteria. Collection method: clinical testing. Allele origin: germline.
Comment: NM_001379200.1(TBX1):c.201del (p.Gly68Alafs*43) is a frameshift variant in TBX1 predicted to alter the reading frame and introduce a premature termination codon and is predicted to result in an absent or altered protein product. This variant is rare in population databases. The currently available literature and clinical evidence are not sufficient to establish a definitive association between this variant and the reported condition. Therefore, this variant is classified as a variant of uncertain significance.